The following is an entry in ClinVar:

ClinVar aggregate classification (germline): Conflicting classifications of pathogenicity. Review status: criteria provided, conflicting classifications (1 of 4 stars). 2 submissions from 2 submitters: Likely pathogenic (1); Uncertain significance (1). Last evaluated 2024-10-28.

Conditions:
Autosomal recessive limb-girdle muscular dystrophy type 2J (LGMDR10). Also called: Limb-girdle muscular dystrophy, type 2J; MUSCULAR DYSTROPHY, LIMB-GIRDLE, AUTOSOMAL RECESSIVE 10. Identifiers: Orphanet 140922, MedGen C1837342, MONDO:0012127, OMIM 608807.
Dilated cardiomyopathy 1G (CMD1G). Identifiers: Orphanet 154, MedGen C1858763, MONDO:0011400, OMIM 604145.

Allele frequency attached by ClinVar (database versions not stated): gnomAD exomes below 0.00001; ExAC 0.00001; TOPMed 0.00001; gnomAD 0.00002.
gnomAD v4.1: 6 of 1,611,924 alleles (0.00037%); highest among the groups gnomAD compares: African/African-American, 0.004%; no homozygotes.

Submissions (2):

Labcorp Genetics (formerly Invitae), Labcorp
Classification: Likely pathogenic for Dilated cardiomyopathy 1G; Autosomal recessive limb-girdle muscular dystrophy type 2J. Last evaluated: 2024-10-28. Review status: criteria provided, single submitter. Criteria: Invitae Variant Classification Sherloc (09022015). Collection method: clinical testing. Allele origin: germline.
Comment: This sequence change creates a premature translational stop signal (p.Glu13299*) in the TTN gene. While this is not anticipated to result in nonsense mediated decay, it is expected to create a truncated TTN protein. This variant is present in population databases (rs758166967, gnomAD 0.01%). This variant has not been reported in the literature in individuals affected with TTN-related conditions. ClinVar contains an entry for this variant (Variation ID: 576335). Algorithms developed to predict the effect of sequence changes on RNA splicing suggest that this variant may disrupt the consensus splice site. This variant is located in the I band of TTN (PMID: 25589632). Truncating variants in this region have been reported in individuals affected with autosomal recessive centronuclear myopathy (PMID: 23975875, internal data). Truncating variants in this region have also been identified in individuals affected with autosomal dominant dilated cardiomyopathy and/or cardio-related conditions (PMID: 27869827, 32964742, internal data). In summary, the currently available evidence indicates that the variant is pathogenic, but additional data are needed to prove that conclusively. Therefore, this variant has been classified as Likely Pathogenic.

AiLife Diagnostics
Classification: Uncertain significance. Last evaluated: 2022-02-18. Review status: criteria provided, single submitter. Criteria: ACMG Guidelines, 2015. Collection method: clinical testing. Allele origin: germline. Affected: yes. Observed: 1 variant allele.

Literature cited by the submitters: PubMed 25589632 (cited by Labcorp Genetics (formerly Invitae), Labcorp); PubMed 23975875 (cited by Labcorp Genetics (formerly Invitae), Labcorp); PubMed 27869827 (cited by Labcorp Genetics (formerly Invitae), Labcorp); PubMed 32964742 (cited by Labcorp Genetics (formerly Invitae), Labcorp).

NM_001267550.2(TTN):c.39895G>T (p.Glu13299Ter)

Gene: TTN (titin; minus strand). Cytogenetic location: 2q31.2.
Variant type: single nucleotide variant.
Coding change: c.39895G>T on transcript NM_001267550.2 (MANE Select); coding-DNA position 39895, G replaced by T.
Protein change: p.Glu13299Ter; replaces glutamic acid 13299 with a stop codon.
Molecular consequence: nonsense. On other transcripts: intron variant (3).
Genome position (GRCh38, 1-based): chr2:178,649,817, C>A on the plus strand (G>T on the coding strand, the complement: TTN is on the minus strand). VCF-style: chr2-178649817-C-A. GRCh37 (hg19) VCF-style: chr2-179514544-C-A.
Other names: c.35374G>T, p.Glu11792Ter (NM_001256850.1); c.32593G>T, p.Glu10865Ter (NM_133378.4); c.13283-7500G>T (NM_003319.4); c.13859-7500G>T (NM_133437.4); c.13658-7500G>T (NM_133432.3); short protein forms E13299*, E10865*, E11792*.
Identifiers: ClinVar variation 576335 (VCV000576335.10), dbSNP rs758166967, ClinGen allele CA1996566.